The following is an entry in ClinVar:

ClinVar aggregate classification (germline): Uncertain significance (1 of 4 stars; one submission).

Submission:

Labcorp Genetics (formerly Invitae), Labcorp
Classification: Uncertain significance. Last evaluated: 2023-12-31. Review status: criteria provided, single submitter. Criteria: Invitae Variant Classification Sherloc (09022015). Collection method: clinical testing. Allele origin: germline.
Comment: This sequence change replaces asparagine, which is neutral and polar, with lysine, which is basic and polar, at codon 184 of the TGFB1 protein (p.Asn184Lys). This variant is not present in population databases (gnomAD no frequency). This variant has not been reported in the literature in individuals affected with TGFB1-related conditions. ClinVar contains an entry for this variant (Variation ID: 1483405). Advanced modeling of protein sequence and biophysical properties (such as structural, functional, and spatial information, amino acid conservation, physicochemical variation, residue mobility, and thermodynamic stability) performed at Invitae indicates that this missense variant is not expected to disrupt TGFB1 protein function with a negative predictive value of 80%. In summary, the available evidence is currently insufficient to determine the role of this variant in disease. Therefore, it has been classified as a Variant of Uncertain Significance.

NM_000660.7(TGFB1):c.552C>A (p.Asn184Lys)

Gene: TGFB1 (transforming growth factor beta 1; minus strand). Cytogenetic location: 19q13.2.
Variant type: single nucleotide variant.
Coding change: c.552C>A on transcript NM_000660.7 (MANE Select); coding-DNA position 552, C replaced by A.
Protein change: p.Asn184Lys; replaces asparagine 184 with lysine.
Molecular consequence: missense variant.
Genome position (GRCh38, 1-based): chr19:41,344,829, G>T on the plus strand (C>A on the coding strand, the complement: TGFB1 is on the minus strand). VCF-style: chr19-41344829-G-T. GRCh37 (hg19) VCF-style: chr19-41850734-G-T.
Other names: short protein forms N184K.
Identifiers: ClinVar variation 1483405 (VCV001483405.6), dbSNP rs2123103533, ClinGen allele CA406003187.